The following is an entry in ClinVar:

ClinVar aggregate classification (germline): Uncertain significance (1 of 4 stars; one submission).

Submission:

Labcorp Genetics (formerly Invitae), Labcorp
Classification: Uncertain significance. Last evaluated: 2021-03-19. Review status: criteria provided, single submitter. Criteria: Invitae Variant Classification Sherloc (09022015). Collection method: clinical testing. Allele origin: germline.
Comment: In summary, the available evidence is currently insufficient to determine the role of this variant in disease. Therefore, it has been classified as a Variant of Uncertain Significance. Experimental studies and prediction algorithms are not available or were not evaluated, and the functional significance of this variant is currently unknown. This variant has not been reported in the literature in individuals with HTT-related conditions. This variant is not present in population databases (ExAC no frequency). This sequence change replaces serine with arginine at codon 465 of the HTT protein (p.Ser465Arg). The serine residue is weakly conserved and there is a moderate physicochemical difference between serine and arginine.

NM_001388492.1(HTT):c.1387A>C (p.Ser463Arg)

Gene: HTT (huntingtin; plus strand). Cytogenetic location: 4p16.3.
Variant type: single nucleotide variant.
Coding change: c.1387A>C on transcript NM_001388492.1 (MANE Select); coding-DNA position 1387, A replaced by C.
Protein change: p.Ser463Arg; replaces serine 463 with arginine.
Molecular consequence: missense variant.
Genome position (GRCh38, 1-based): chr4:3,125,614, A>C. VCF-style: chr4-3125614-A-C. GRCh37 (hg19) VCF-style: chr4-3127341-A-C.
Other names: c.1393A>C, p.Ser465Arg (NM_002111.8); short protein forms S465R, S463R.
Identifiers: ClinVar variation 1462017 (VCV001462017.6), dbSNP rs2110182104, ClinGen allele CA356073109.